The following is an entry in ClinVar:

ClinVar aggregate classification (germline): Pathogenic (1 of 4 stars; one submission).

Conditions:
Joubert syndrome 3 (JBTS3). Also called: AHI1-related Ciliopathy. Identifiers: Orphanet 220493, MedGen C1837713, MONDO:0012078, OMIM 608629.

Submission:

Myriad Genetics, Inc.
Classification: Pathogenic for Joubert syndrome 3. Last evaluated: 2026-05-09. Review status: criteria provided, single submitter. Criteria: Myriad Autosomal Dominant, Autosomal Recessive and X-Linked Classification Criteria (2023). Collection method: clinical testing. Allele origin: unknown.
Comment: NM_001134831.1(AHI1):c.2339delT(L780Wfs*10) is expected to be pathogenic in the context of Joubert syndrome, AHI1-related. This variant is predicted to lead to an abnormal or absent protein product due to the creation of a premature termination codon in AHI1, a gene where loss-of-function variants are known to be pathogenic. Please note: this variant was assessed in the context of healthy population screening.

NM_001134831.2(AHI1):c.2339del (p.Leu780fs)

Gene: AHI1 (Abelson helper integration site 1; minus strand). Cytogenetic location: 6q23.3.
Variant type: Deletion.
Coding change: c.2339del on transcript NM_001134831.2 (MANE Select); coding-DNA position 2339, one base deleted (T; older notation c.2339delT).
Protein change: p.Leu780fs; shifts the reading frame from leucine 780.
Molecular consequence: frameshift variant.
Genome position (GRCh38, 1-based): chr6:135,431,242, A deleted on the plus strand (T on the coding strand, the reverse complement: AHI1 is on the minus strand); the first of 3 consecutive A bases (chr6:135,431,242-135,431,244); deleting any one gives the same sequence. VCF-style (leftmost placement, unchanged base first): chr6-135431241-CA-C. GRCh37 (hg19) VCF-style: chr6-135752379-CA-C.
Other names: c.2339del, p.Leu780fs (NM_001134830.2, NM_001134832.2, NM_001350503.2 and 2 more transcripts); short protein forms L780fs.
Identifiers: ClinVar variation 5015893 (VCV005015893.1).